The following is an entry in ClinVar:

ClinVar aggregate classification (germline): Uncertain significance (1 of 4 stars; one submission).

gnomAD v4.1: 1 of 1,612,700 alleles (0.000062%); highest among the groups gnomAD compares: Non-Finnish European, 0.000085%; no homozygotes.

Submission:

Labcorp Genetics (formerly Invitae), Labcorp
Classification: Uncertain significance. Last evaluated: 2021-12-30. Review status: criteria provided, single submitter. Criteria: Invitae Variant Classification Sherloc (09022015). Collection method: clinical testing. Allele origin: germline.
Comment: In summary, the available evidence is currently insufficient to determine the role of this variant in disease. Therefore, it has been classified as a Variant of Uncertain Significance. Algorithms developed to predict the effect of missense changes on protein structure and function are either unavailable or do not agree on the potential impact of this missense change (SIFT: "Tolerated"; PolyPhen-2: "Possibly Damaging"; Align-GVGD: "Class C0"). This variant has not been reported in the literature in individuals affected with MAPKAPK3-related conditions. This variant is not present in population databases (gnomAD no frequency). This sequence change replaces lysine, which is basic and polar, with glutamine, which is neutral and polar, at codon 35 of the MAPKAPK3 protein (p.Lys35Gln).

NM_001243925.2(MAPKAPK3):c.103A>C (p.Lys35Gln)

Gene: MAPKAPK3 (MAPK activated protein kinase 3; plus strand). Cytogenetic location: 3p21.2.
Variant type: single nucleotide variant.
Coding change: c.103A>C on transcript NM_001243925.2 (MANE Select); coding-DNA position 103, A replaced by C.
Protein change: p.Lys35Gln; replaces lysine 35 with glutamine.
Molecular consequence: missense variant.
Genome position (GRCh38, 1-based): chr3:50,617,668, A>C. VCF-style: chr3-50617668-A-C. GRCh37 (hg19) VCF-style: chr3-50655099-A-C.
Other names: c.103A>C, p.Lys35Gln (NM_001243926.2, NM_004635.5); short protein forms K35Q.
Identifiers: ClinVar variation 2067160 (VCV002067160.4), dbSNP rs2471665536, ClinGen allele CA352961469.